The following is an entry in ClinVar:

NM_001943.5(DSG2):c.2129A>C (p.Glu710Ala)

Genes: DSG2 (desmoglein 2; plus strand), DSG2-AS1 (DSG2 antisense RNA 1; minus strand). Cytogenetic location: 18q12.1.
Variant type: single nucleotide variant.
Coding change: c.2129A>C on transcript NM_001943.5 (MANE Select); coding-DNA position 2129, A replaced by C.
Protein change: p.Glu710Ala; replaces glutamic acid 710 with alanine.
Molecular consequence: missense variant.
Genome position (GRCh38, 1-based): chr18:31,542,647, A>C. VCF-style: chr18-31542647-A-C. GRCh37 (hg19) VCF-style: chr18-29122610-A-C.
Other names: short protein forms E710A.
Identifiers: ClinVar variation 4245042 (VCV004245042.2).

ClinVar aggregate classification (germline): Uncertain significance (1 of 4 stars; one submission).

Conditions:
Cardiovascular phenotype. Identifiers: MedGen CN230736.

gnomAD v4.1: 5 of 1,614,098 alleles (0.00031%); highest among the groups gnomAD compares: South Asian, 0.0011%; no homozygotes.

Submission:

Ambry Genetics
Classification: Uncertain significance for Cardiovascular phenotype. Last evaluated: 2026-09-11. Review status: criteria provided, single submitter. Criteria: Ambry Variant Classification Scheme 2023. Collection method: clinical testing. Allele origin: germline.
Comment: The p.E710A variant (also known as c.2129A>C), located in coding exon 14 of the DSG2 gene, results from an A to C substitution at nucleotide position 2129. The glutamic acid at codon 710 is replaced by alanine, an amino acid with dissimilar properties. This amino acid position is conserved. In addition, this alteration is predicted to be tolerated by in silico analysis. Based on the available evidence, the clinical significance of this variant remains unclear.